The following is an entry in ClinVar:

NM_000163.5(GHR):c.-11-1G>C

Gene: GHR (growth hormone receptor; plus strand). Cytogenetic location: 5p12.
Variant type: single nucleotide variant.
Coding change: c.-11-1G>C on transcript NM_000163.5 (MANE Select); the canonical splice acceptor site of the intron before 11 bases upstream of the start codon, G replaced by C.
Molecular consequence: splice acceptor variant. On other transcripts: 5 prime UTR variant (1).
Genome position (GRCh38, 1-based): chr5:42,565,863, G>C. VCF-style: chr5-42565863-G-C. GRCh37 (hg19) VCF-style: chr5-42565965-G-C.
Other names: c.-12G>C (NM_001242406.2); c.-11-1G>C (NM_001242400.2, NM_001242401.4, NM_001242402.2 and 3 more transcripts); c.11-1G>C (NM_001242399.2).
Identifiers: ClinVar variation 1202951 (VCV001202951.5), dbSNP rs543620503, ClinGen allele CA3254269.

ClinVar aggregate classification (germline): Uncertain significance. Review status: criteria provided, multiple submitters, no conflicts (2 of 4 stars). 3 submissions from 3 submitters: Uncertain significance (3). Last evaluated 2024-06-11.

Allele frequency attached by ClinVar (database versions not stated): ExAC 0.00002; gnomAD exomes 0.00004 and 0.00010; gnomAD 0.00007; TOPMed 0.00008; 1000 Genomes Project 30x 0.00016; 1000 Genomes Project 0.00020.
gnomAD v4.1: 156 of 1,613,892 alleles (0.0097%); highest among the groups gnomAD compares: Non-Finnish European, 0.013%; no homozygotes.

Submissions (3):

Women's Health and Genetics/Laboratory Corporation of America, LabCorp
Classification: Uncertain significance. Last evaluated: 2024-06-11. Review status: criteria provided, single submitter. Criteria: LabCorp Variant Classification Summary - May 2015. Collection method: clinical testing. Allele origin: germline.
Comment: Variant summary: GHR c.-11-1G>C is located in the untranscribed region upstream of the GHR gene region. Several computational tools predict a significant impact on normal splicing: Four predict the variant abolishes a 3' acceptor site. Two predict the variant creates a 3' acceptor site and two predict the variant strengthens this site. However, these predictions have yet to be confirmed by functional studies. The variant allele was found at a frequency of 4e-05 in 251490 control chromosomes (gnomAD). This frequency is not significantly higher than estimated for a pathogenic variant in GHR causing Growth Hormone Insensitivity (4e-05 vs 0.0035), allowing no conclusion about variant significance. To our knowledge, no occurrence of c.-11-1G>C in individuals affected with Growth Hormone Insensitivity and no experimental evidence demonstrating its impact on protein function have been reported. ClinVar contains an entry for this variant (Variation ID: 1202951). Based on the evidence outlined above, the variant was classified as uncertain significance.

Blueprint Genetics
Classification: Uncertain significance. Last evaluated: 2024-05-02. Review status: criteria provided, single submitter. Criteria: ACMG Guidelines, 2015. Collection method: clinical testing. Allele origin: germline.

GeneDx
Classification: Uncertain significance. Last evaluated: 2019-11-09. Review status: criteria provided, single submitter. Criteria: GeneDx Variant Classification Process June 2021. Collection method: clinical testing. Allele origin: germline. Affected: yes.
Comment: Has not been previously published as pathogenic or benign to our knowledge; In silico analysis, which includes splice predictors and evolutionary conservation, suggests this variant may impact gene splicing. In the absence of RNA/functional studies, the actual effect of this sequence change is unknown.